The following is an entry in ClinVar:

NM_006206.6(PDGFRA):c.438del (p.Ile147fs)

Gene: PDGFRA (platelet derived growth factor receptor alpha; plus strand). Cytogenetic location: 4q12.
Variant type: Deletion.
Coding change: c.438del on transcript NM_006206.6 (MANE Select); coding-DNA position 438, one base deleted (C; older notation c.438delC).
Protein change: p.Ile147fs; shifts the reading frame from isoleucine 147.
Molecular consequence: frameshift variant.
Genome position (GRCh38, 1-based): chr4:54,263,737, C deleted; the last of 2 consecutive C bases (chr4:54,263,736-54,263,737); deleting either gives the same sequence. VCF-style (leftmost placement, unchanged base first): chr4-54263735-GC-G. GRCh37 (hg19) VCF-style: chr4-55129902-GC-G.
Other names: c.438del, p.Ile147fs (NM_001347827.2, NM_001347829.2); c.513del, p.Ile172fs (NM_001347828.2); c.477del, p.Ile160fs (NM_001347830.2); short protein forms I160fs, I147fs, I172fs.
Identifiers: ClinVar variation 2817881 (VCV002817881.4), dbSNP rs1320858671, ClinGen allele CA796286947.

ClinVar aggregate classification (germline): Uncertain significance. Review status: criteria provided, multiple submitters, no conflicts (2 of 4 stars). 2 submissions from 2 submitters: Uncertain significance (2). Last evaluated 2026-02-03.

Conditions:
Hereditary cancer-predisposing syndrome. Also called: Neoplastic Syndromes, Hereditary; Tumor predisposition; Hereditary Cancer Syndrome; Hereditary neoplastic syndrome. Identifiers: Orphanet 140162, MedGen C0027672, MeSH D009386, MONDO:0015356.
Gastrointestinal stromal tumor. Also called: Gastrointestinal stromal tumor, somatic; Gastrointestinal stroma tumor. Identifiers: Orphanet 44890, MedGen C0238198, MeSH D046152, MONDO:0011719, OMIM 606764, HP:0100723.

Submissions (2):

Labcorp Genetics (formerly Invitae), Labcorp
Classification: Uncertain significance for Gastrointestinal stromal tumor. Last evaluated: 2026-02-03. Review status: criteria provided, single submitter. Criteria: Invitae Variant Classification Sherloc (09022015). Collection method: clinical testing. Allele origin: germline.
Comment: This sequence change creates a premature translational stop signal (p.Ile147Leufs*13) in the PDGFRA gene. It is expected to result in an absent or disrupted protein product. However, the current clinical and genetic evidence is not sufficient to establish whether loss-of-function variants in PDGFRA cause disease. This variant is not present in population databases (gnomAD no frequency). This variant has not been reported in the literature in individuals affected with PDGFRA-related conditions. ClinVar contains an entry for this variant (Variation ID: 2817881). In summary, the available evidence is currently insufficient to determine the role of this variant in disease. Therefore, it has been classified as a Variant of Uncertain Significance.

Ambry Genetics
Classification: Uncertain significance for Hereditary cancer-predisposing syndrome. Last evaluated: 2026-01-16. Review status: criteria provided, single submitter. Criteria: Ambry Variant Classification Scheme 2023. Collection method: clinical testing. Allele origin: germline.
Comment: The c.438delC variant, located in coding exon 3 of the PDGFRA gene, results from a deletion of one nucleotide at nucleotide position 438, causing a translational frameshift with a predicted alternate stop codon (p.I147Lfs*13). This alteration is expected to result in loss of function by premature protein truncation or nonsense-mediated mRNA decay. However, loss of function of PDGFRA has not been established as a mechanism of disease. Based on the available evidence, the clinical significance of this alteration remains unclear.